The following is an entry in ClinVar:

ClinVar aggregate classification (germline): Uncertain significance. Review status: criteria provided, multiple submitters, no conflicts (2 of 4 stars). 2 submissions from 2 submitters: Uncertain significance (2). Last evaluated 2025-06-12.

Conditions:
Focal segmental glomerulosclerosis 6 (FSGS6). Identifiers: Orphanet 656, MedGen C3279905, MONDO:0013589, OMIM 614131.

Allele frequency attached by ClinVar (database versions not stated): gnomAD 0.00001; TOPMed 0.00001.

Submissions (2):

Labcorp Genetics (formerly Invitae), Labcorp
Classification: Uncertain significance. Last evaluated: 2025-06-12. Review status: criteria provided, single submitter. Criteria: Invitae Variant Classification Sherloc (09022015). Collection method: clinical testing. Allele origin: germline.
Comment: This sequence change replaces serine, which is neutral and polar, with asparagine, which is neutral and polar, at codon 943 of the MYO1E protein (p.Ser943Asn). This variant is present in population databases (no rsID available, gnomAD 0.01%). This variant has not been reported in the literature in individuals affected with MYO1E-related conditions. ClinVar contains an entry for this variant (Variation ID: 1394180). An algorithm developed to predict the effect of missense changes on protein structure and function (PolyPhen-2) suggests that this variant is likely to be tolerated. In summary, the available evidence is currently insufficient to determine the role of this variant in disease. Therefore, it has been classified as a Variant of Uncertain Significance.

Fulgent Genetics
Classification: Uncertain significance for Focal segmental glomerulosclerosis 6. Last evaluated: 2024-01-27. Review status: criteria provided, single submitter. Criteria: ACMG Guidelines, 2015. Collection method: clinical testing. Allele origin: germline.

NM_004998.4(MYO1E):c.2828G>A (p.Ser943Asn)

Gene: MYO1E (myosin IE; minus strand). Cytogenetic location: 15q22.2.
Variant type: single nucleotide variant.
Coding change: c.2828G>A on transcript NM_004998.4 (MANE Select); coding-DNA position 2828, G replaced by A.
Protein change: p.Ser943Asn; replaces serine 943 with asparagine.
Molecular consequence: missense variant.
Genome position (GRCh38, 1-based): chr15:59,158,337, C>T on the plus strand (G>A on the coding strand, the complement: MYO1E is on the minus strand). VCF-style: chr15-59158337-C-T. GRCh37 (hg19) VCF-style: chr15-59450536-C-T.
Other names: short protein forms S943N.
Identifiers: ClinVar variation 1394180 (VCV001394180.7), dbSNP rs781033525, ClinGen allele CA271778791.